The following is an entry in ClinVar:

ClinVar aggregate classification (germline): Uncertain significance (1 of 4 stars; one submission).

Allele frequency attached by ClinVar (database versions not stated): gnomAD 0.00001; TOPMed 0.00002.
gnomAD v4.1: 16 of 1,580,712 alleles (0.001%); highest among the groups gnomAD compares: Non-Finnish European, 0.0014%; no homozygotes.

Submission:

Labcorp Genetics (formerly Invitae), Labcorp
Classification: Uncertain significance. Last evaluated: 2025-11-22. Review status: criteria provided, single submitter. Criteria: Invitae Variant Classification Sherloc (09022015). Collection method: clinical testing. Allele origin: germline.
Comment: This sequence change replaces alanine, which is neutral and non-polar, with proline, which is neutral and non-polar, at codon 3039 of the DCHS1 protein (p.Ala3039Pro). This variant is present in population databases (no rsID available, gnomAD 0.004%). This variant has not been reported in the literature in individuals affected with DCHS1-related conditions. ClinVar contains an entry for this variant (Variation ID: 3004788). Invitae Evidence Modeling of protein sequence and biophysical properties (such as structural, functional, and spatial information, amino acid conservation, physicochemical variation, residue mobility, and thermodynamic stability) indicates that this missense variant is not expected to disrupt DCHS1 protein function with a negative predictive value of 80%. In summary, the available evidence is currently insufficient to determine the role of this variant in disease. Therefore, it has been classified as a Variant of Uncertain Significance.

NM_003737.4(DCHS1):c.9115G>C (p.Ala3039Pro)

Gene: DCHS1 (dachsous cadherin-related 1; minus strand). Cytogenetic location: 11p15.4.
Variant type: single nucleotide variant.
Coding change: c.9115G>C on transcript NM_003737.4 (MANE Select); coding-DNA position 9115, G replaced by C.
Protein change: p.Ala3039Pro; replaces alanine 3039 with proline.
Molecular consequence: missense variant.
Genome position (GRCh38, 1-based): chr11:6,622,561, C>G on the plus strand (G>C on the coding strand, the complement: DCHS1 is on the minus strand). VCF-style: chr11-6622561-C-G. GRCh37 (hg19) VCF-style: chr11-6643792-C-G.
Other names: short protein forms A3039P.
Identifiers: ClinVar variation 3004788 (VCV003004788.3), dbSNP rs912004965, ClinGen allele CA217329326.